The following is an entry in ClinVar:

ClinVar aggregate classification (germline): Likely pathogenic. Review status: criteria provided, multiple submitters, no conflicts (2 of 4 stars). 4 submissions from 4 submitters: Likely pathogenic (4). Last evaluated 2025-01-13.

Conditions:
Retinitis pigmentosa 39 (RP39). Identifiers: Orphanet 791, MedGen C3151138, MONDO:0013436, OMIM 613809.
Usher syndrome type 2A. Also called: RETINAL DISEASE IN USHER SYNDROME TYPE IIA, MODIFIER OF; USHER SYNDROME, TYPE IIA. Identifiers: Orphanet 231178, Orphanet 886, MedGen C1848634, MONDO:0010169, OMIM 276901.

Allele frequency attached by ClinVar (database versions not stated): gnomAD exomes below 0.00001; TOPMed below 0.00001.
gnomAD v4.1: 2 of 1,612,202 alleles (0.00012%); highest among the groups gnomAD compares: African/African-American, 0.0027%; no homozygotes.

Submissions (4):

Natera, Inc.
Classification: Likely pathogenic for Usher syndrome type 2A. Last evaluated: 2025-01-13. Review status: criteria provided, single submitter. Criteria: Natera Variant Classification Schema (03/2026). Collection method: clinical testing. Allele origin: germline.
Comment: The c.7120+1G>A variant in USH2A is a canonical splice donor site variant predicted to affect pre-mRNA splicing, which may result in an abnormal transcript and altered protein product. This variant is expected to result in nonsense mediated decay, truncation, or a dysfunctional protein product. This variant is rare in the general population with a frequency below the threshold expected for the associated phenotype(s). Given the available evidence, this variant is classified as Likely Pathogenic.

Fulgent Genetics
Classification: Likely pathogenic for Usher syndrome type 2A; Retinitis pigmentosa 39. Last evaluated: 2024-06-22. Review status: criteria provided, single submitter. Criteria: ACMG Guidelines, 2015. Collection method: clinical testing. Allele origin: germline.

Baylor Genetics
Classification: Likely pathogenic for Retinitis pigmentosa 39. Last evaluated: 2022-05-09. Review status: criteria provided, single submitter. Criteria: ACMG Guidelines, 2015. Collection method: clinical testing. Allele origin: unknown.

Labcorp Genetics (formerly Invitae), Labcorp
Classification: Likely pathogenic. Last evaluated: 2020-12-10. Review status: criteria provided, single submitter. Criteria: Invitae Variant Classification Sherloc (09022015). Collection method: clinical testing. Allele origin: germline.
Comment: In summary, the currently available evidence indicates that the variant is pathogenic, but additional data are needed to prove that conclusively. Therefore, this variant has been classified as Likely Pathogenic. Algorithms developed to predict the effect of sequence changes on RNA splicing suggest that this variant may disrupt the consensus splice site, but this prediction has not been confirmed by published transcriptional studies. This variant has not been reported in the literature in individuals with USH2A-related conditions. This variant is not present in population databases (ExAC no frequency). This sequence change affects a donor splice site in intron 37 of the USH2A gene. It is expected to disrupt RNA splicing. Variants that disrupt the donor or acceptor splice site typically lead to a loss of protein function (PMID: 16199547), and loss-of-function variants in USH2A are known to be pathogenic (PMID: 10729113, 10909849, 20507924, 25649381).

Literature cited by the submitters: PubMed 16199547 (cited by Labcorp Genetics (formerly Invitae), Labcorp); PubMed 10729113 (cited by Labcorp Genetics (formerly Invitae), Labcorp); PubMed 10909849 (cited by Labcorp Genetics (formerly Invitae), Labcorp); PubMed 20507924 (cited by Labcorp Genetics (formerly Invitae), Labcorp); PubMed 25649381 (cited by Labcorp Genetics (formerly Invitae), Labcorp).

NM_206933.4(USH2A):c.7120+1G>A

Gene: USH2A (usherin; minus strand). Cytogenetic location: 1q41.
Variant type: single nucleotide variant.
Coding change: c.7120+1G>A on transcript NM_206933.4 (MANE Select); the canonical splice donor site of the intron after coding-DNA position 7120, G replaced by A.
Molecular consequence: splice donor variant.
Genome position (GRCh38, 1-based): chr1:215,965,316, C>T on the plus strand (G>A on the coding strand, the complement: USH2A is on the minus strand). VCF-style: chr1-215965316-C-T. GRCh37 (hg19) VCF-style: chr1-216138658-C-T.
Other names: c.7120+1G>A (NM_206933.2).
Identifiers: ClinVar variation 1481491 (VCV001481491.12), dbSNP rs1667311758, ClinGen allele CA344851732.
Genomic context (GRCh38, chr1:215,965,316, plus strand): 5'-TTAAATAAAAATGAGTTGTTTTCTAATGTTATTTAAAGTTTAGAAAATAAAAACAAATTA[C>T]CTGGGTCTACATAGAATATCCCAGTGAAAAGGACTGAGTGTGTTAAGAGTCCATTAGGGC-3'